The following is an entry in ClinVar:

ClinVar aggregate classification (germline): Uncertain significance. Review status: criteria provided, multiple submitters, no conflicts (2 of 4 stars). 3 submissions from 3 submitters: Uncertain significance (3). Last evaluated 2024-11-02.

Conditions:
Hereditary cancer-predisposing syndrome. Also called: Tumor predisposition; Neoplastic Syndromes, Hereditary; Hereditary Cancer Syndrome; Hereditary neoplastic syndrome. Identifiers: Orphanet 140162, MedGen C0027672, MeSH D009386, MONDO:0015356.
Neuroblastoma, susceptibility to, 3. Also called: ALK-Related Neuroblastic Tumor Susceptibility. Identifiers: Orphanet 635, MedGen C2751681, MONDO:0013083, OMIM 613014.

Allele frequency attached by ClinVar (database versions not stated): gnomAD exomes below 0.00001; gnomAD 0.00001.
gnomAD v4.1: 3 of 1,614,056 alleles (0.00019%); highest among the groups gnomAD compares: Non-Finnish European, 0.00025%; no homozygotes.

Submissions (3):

Ambry Genetics
Classification: Uncertain significance for Hereditary cancer-predisposing syndrome. Last evaluated: 2024-11-02. Review status: criteria provided, single submitter. Criteria: Ambry Variant Classification Scheme 2023. Collection method: clinical testing. Allele origin: germline.
Comment: The p.S196L variant (also known as c.587C>T), located in coding exon 1 of the ALK gene, results from a C to T substitution at nucleotide position 587. The serine at codon 196 is replaced by leucine, an amino acid with dissimilar properties. This amino acid position is conserved. In addition, this alteration is predicted to be tolerated by in silico analysis. Since supporting evidence is limited at this time, the clinical significance of this alteration remains unclear.

GeneDx
Classification: Uncertain significance. Last evaluated: 2024-03-15. Review status: criteria provided, single submitter. Criteria: GeneDx Variant Classification Process June 2021. Collection method: clinical testing. Allele origin: germline. Affected: yes.
Comment: Not observed at significant frequency in large population cohorts (gnomAD); In silico analysis supports that this missense variant does not alter protein structure/function; Has not been previously published as pathogenic or benign to our knowledge

Labcorp Genetics (formerly Invitae), Labcorp
Classification: Uncertain significance for Neuroblastoma, susceptibility to, 3. Last evaluated: 2023-10-13. Review status: criteria provided, single submitter. Criteria: Invitae Variant Classification Sherloc (09022015). Collection method: clinical testing. Allele origin: germline.
Comment: This sequence change replaces serine, which is neutral and polar, with leucine, which is neutral and non-polar, at codon 196 of the ALK protein (p.Ser196Leu). This variant is present in population databases (no rsID available, gnomAD 0.0009%). This variant has not been reported in the literature in individuals affected with ALK-related conditions. ClinVar contains an entry for this variant (Variation ID: 1061573). Algorithms developed to predict the effect of missense changes on protein structure and function output the following: SIFT: "Not Available"; PolyPhen-2: "Benign"; Align-GVGD: "Not Available". The leucine amino acid residue is found in multiple mammalian species, which suggests that this missense change does not adversely affect protein function. In summary, the available evidence is currently insufficient to determine the role of this variant in disease. Therefore, it has been classified as a Variant of Uncertain Significance.

NM_004304.5(ALK):c.587C>T (p.Ser196Leu)

Gene: ALK (ALK receptor tyrosine kinase; minus strand). Cytogenetic location: 2p23.1.
Variant type: single nucleotide variant.
Coding change: c.587C>T on transcript NM_004304.5 (MANE Select); coding-DNA position 587, C replaced by T.
Protein change: p.Ser196Leu; replaces serine 196 with leucine.
Molecular consequence: missense variant.
Genome position (GRCh38, 1-based): chr2:29,920,073, G>A on the plus strand (C>T on the coding strand, the complement: ALK is on the minus strand). VCF-style: chr2-29920073-G-A. GRCh37 (hg19) VCF-style: chr2-30142939-G-A.
Other names: short protein forms S196L.
Identifiers: ClinVar variation 1061573 (VCV001061573.13), dbSNP rs1235761698, ClinGen allele CA346589740.